The following is an entry in ClinVar:

NM_152384.3(BBS5):c.569A>C (p.His190Pro)

Gene: BBS5 (Bardet-Biedl syndrome 5; plus strand). Cytogenetic location: 2q31.1.
Variant type: single nucleotide variant.
Coding change: c.569A>C on transcript NM_152384.3 (MANE Select); coding-DNA position 569, A replaced by C.
Protein change: p.His190Pro; replaces histidine 190 with proline.
Molecular consequence: missense variant.
Genome position (GRCh38, 1-based): chr2:169,493,787, A>C. VCF-style: chr2-169493787-A-C. GRCh37 (hg19) VCF-style: chr2-170350297-A-C.
Other names: short protein forms H190P.
Identifiers: ClinVar variation 1495095 (VCV001495095.7), dbSNP rs755408078, ClinGen allele CA1956237.

ClinVar aggregate classification (germline): Uncertain significance. Review status: criteria provided, multiple submitters, no conflicts (2 of 4 stars). 3 submissions from 3 submitters: Uncertain significance (3). Last evaluated 2022-03-01.

Conditions:
Bardet-Biedl syndrome (BBS). Identifiers: Orphanet 110, MedGen C0752166, MONDO:0015229.
Bardet-Biedl syndrome 5 (BBS5). Identifiers: Orphanet 110, MedGen C3892039, MONDO:0014434, OMIM 615983.

Allele frequency attached by ClinVar (database versions not stated): gnomAD exomes below 0.00001; ExAC 0.00001.
gnomAD v4.1: 2 of 1,613,162 alleles (0.00012%); highest among the groups gnomAD compares: Non-Finnish European, 0.00017%; no homozygotes.

Submissions (3):

Labcorp Genetics (formerly Invitae), Labcorp
Classification: Uncertain significance for Bardet-Biedl syndrome. Last evaluated: 2022-03-01. Review status: criteria provided, single submitter. Criteria: Invitae Variant Classification Sherloc (09022015). Collection method: clinical testing. Allele origin: germline.
Comment: This sequence change replaces histidine, which is basic and polar, with proline, which is neutral and non-polar, at codon 190 of the BBS5 protein (p.His190Pro). This variant is present in population databases (rs755408078, gnomAD 0.0009%). This missense change has been observed in individual(s) with clinical features of retinitis pigmentosa (Invitae). In at least one individual the data is consistent with being in trans (on the opposite chromosome) from a pathogenic variant. Algorithms developed to predict the effect of missense changes on protein structure and function are either unavailable or do not agree on the potential impact of this missense change (SIFT: "Tolerated"; PolyPhen-2: "Probably Damaging"; Align-GVGD: "Class C0"). In summary, the available evidence is currently insufficient to determine the role of this variant in disease. Therefore, it has been classified as a Variant of Uncertain Significance.

Fulgent Genetics
Classification: Uncertain significance for Bardet-Biedl syndrome 5. Last evaluated: 2021-09-11. Review status: criteria provided, single submitter. Criteria: ACMG Guidelines, 2015. Collection method: clinical testing. Allele origin: unknown.

Blueprint Genetics
Classification: Uncertain significance. Last evaluated: 2018-07-18. Review status: criteria provided, single submitter. Criteria: ACMG Guidelines, 2015. Collection method: clinical testing. Allele origin: germline.